The following is an entry in ClinVar:

NM_032578.4(MYPN):c.1864C>T (p.Gln622Ter)

Gene: MYPN (myopalladin; plus strand). Cytogenetic location: 10q21.3.
Variant type: single nucleotide variant.
Coding change: c.1864C>T on transcript NM_032578.4 (MANE Select); coding-DNA position 1864, C replaced by T.
Protein change: p.Gln622Ter; replaces glutamine 622 with a stop codon.
Molecular consequence: nonsense. On other transcripts: non-coding transcript variant (2).
Genome position (GRCh38, 1-based): chr10:68,166,557, C>T. VCF-style: chr10-68166557-C-T. GRCh37 (hg19) VCF-style: chr10-69926314-C-T.
Other names: c.1864C>T, p.Gln622Ter (NM_001256267.2); c.982C>T, p.Gln328Ter (NM_001256268.2); short protein forms Q328*, Q622*.
Identifiers: ClinVar variation 1448566 (VCV001448566.8), dbSNP rs1226400049, ClinGen allele CA376840526.
Genomic context (GRCh38, chr10:68,166,557, plus strand): 5'-CTGCCTGAAGATGACAAAGGAAGTGAAGCATCCTCCGAGGCTGGTGTGGTGACCACCAGA[C>T]AGACCAGGCCCGATTCTTTCCAGGAGAGGTTCAACGGACAGGCAACAAAAACCCCAGAGC-3'

ClinVar aggregate classification (germline): Conflicting classifications of pathogenicity. Review status: criteria provided, conflicting classifications (1 of 4 stars). 2 submissions from 2 submitters: Pathogenic (1); Uncertain significance (1). Last evaluated 2021-09-05.

Conditions:
Dilated cardiomyopathy 1KK (CMD1KK). Identifiers: Orphanet 154, Orphanet 75249, MedGen C3714995, MONDO:0014100, OMIM 615248.
Cardiovascular phenotype. Identifiers: MedGen CN230736.

Submissions (2):

Labcorp Genetics (formerly Invitae), Labcorp
Classification: Pathogenic for Dilated cardiomyopathy 1KK. Last evaluated: 2021-09-05. Review status: criteria provided, single submitter. Criteria: Invitae Variant Classification Sherloc (09022015). Collection method: clinical testing. Allele origin: germline.
Comment: This sequence change creates a premature translational stop signal (p.Gln622*) in the MYPN gene. It is expected to result in an absent or disrupted protein product. Loss-of-function variants in MYPN are known to be pathogenic (PMID: 28017374). This variant is not present in population databases (ExAC no frequency). This variant has not been reported in the literature in individuals affected with MYPN-related conditions. For these reasons, this variant has been classified as Pathogenic.

Ambry Genetics
Classification: Uncertain significance for Cardiovascular phenotype. Last evaluated: 2020-01-29. Review status: criteria provided, single submitter. Criteria: Ambry Variant Classification Scheme 2023. Collection method: clinical testing. Allele origin: germline.
Comment: The p.Q622* variant (also known as c.1864C>T), located in coding exon 9 of the MYPN gene, results from a C to T substitution at nucleotide position 1864. This changes the amino acid from a glutamine to a stop codon within coding exon 9. This alteration is expected to result in loss of function by premature protein truncation or nonsense-mediated mRNA decay. However, loss of function of MYPN has not been clearly established as a mechanism of disease. Since supporting evidence is limited at this time, the clinical significance of this alteration remains unclear.

Literature cited by the submitters: PubMed 28017374 (cited by Labcorp Genetics (formerly Invitae), Labcorp).